The following is an entry in ClinVar:

ClinVar aggregate classification (germline): Pathogenic. Review status: reviewed by expert panel (3 of 4 stars). 15 submissions from 15 submitters: Pathogenic (1). 14 of the submissions do not count toward it. Last evaluated 2022-04-10.

Conditions:
Monogenic diabetes. Identifiers: Orphanet 183625, MedGen C3888631, MONDO:0015967.
Nonpapillary renal cell carcinoma. Identifiers: Orphanet 422526, MedGen CN074294, MONDO:0007763, OMIM 144700.
Type 2 diabetes mellitus. Also called: Type II diabetes mellitus. Identifiers: MedGen C0011860, MeSH D003924, MONDO:0005148, OMIM 125853, HP:0005978.
Type 1 diabetes mellitus 20 (T1D20). Also called: Diabetes mellitus, insulin-dependent, 20. Identifiers: MedGen C2675866, MONDO:0012919, OMIM 612520.
Hepatic adenomas, familial. Also called: HEPATIC ADENOMA, SOMATIC; LIVER CELL ADENOMAS, FAMILIAL. Identifiers: MedGen C1840646, MONDO:0007718, OMIM 142330.
Maturity-onset diabetes of the young type 3. Also called: MODY, type III; MODY type 3. Identifiers: Orphanet 552, MedGen C1838100, MeSH C563933, MONDO:0010894, OMIM 600496. Disease mechanism: loss of function.
Diabetes mellitus type 1 (T1D). Also called: Diabetes Mellitus, Juvenile-Onset; Type I diabetes mellitus. Identifiers: MedGen C0011854, MONDO:0005147, OMIM 222100, HP:0100651.
Maturity-onset diabetes of the young (MODY). Also called: Maturity onset diabetes mellitus in young. Identifiers: Orphanet 552, MedGen C0342276, MONDO:0018911, HP:0004904.
HNF1A-related disorder. Also called: HNF1A-related condition.

Allele frequency attached by ClinVar (database versions not stated): gnomAD exomes below 0.00001; ExAC 0.00001.
gnomAD v4.1: 3 of 1,614,054 alleles (0.00019%); highest among the groups gnomAD compares: Admixed American, 0.0017%; no homozygotes.

Submissions 1 to 8 of 15:

ClinGen Monogenic Diabetes Variant Curation Expert Panel
Classification: Pathogenic for Monogenic diabetes. Last evaluated: 2022-04-10. Review status: reviewed by expert panel. Criteria: ClinGen Diabetes ACMG Specifications v1 1. Collection method: curation. Allele origin: germline. Inheritance: Autosomal dominant inheritance.
Comment: The c.526C>T variant in the HNF1 homeobox A gene, HNF1A, results in a premature termination at codon 176 (p.(Gln176Ter)) of NM_000545.8. This variant, located in biologically-relevant exon 2 of 10, is predicted to lead to nonsense mediated decay in a gene in which loss-of-function is an established disease mechanism (PVS1; PMID: 23348805). This variant also was identified in 15 unrelated individuals with non- autoimmune and non-absolute/near-absolute insulin-deficient diabetes (PS4; PMID: 18003757, internal lab contributors). This variant has a minor allele frequency of 0.000008856 in the gnomAD v2.1.1 European non-Finnish population and zero copies in other subpopulations, which is less than the ClinGen MDEP threshold for PM2_Supporting (less than or equal to 0.00002 and less than or equal to 1 copy in any other subpopulation) (PM2_Supporting). Additionally, this variant segregated with diabetes, with 5 informative meioses in 4 families with MODY (PP1_Strong; internal lab contributors). This variant was identified in an individual with a clinical history highly specific for HNF1A-MODY (MODY probability calculator result >50%, negative genetic testing for HNF4A, and negative antibodies) (PP4_Moderate; internal lab contributors). In summary, c.526C>T meets the criteria to be classified as pathogenic for monogenic diabetes. ACMG/AMP criteria applied, as specified by the ClinGen MDEP (specification version 1.1, approved 9/30/2021): PVS1, PS4, PM2_Supporting, PP1_Strong, PP4_Moderate.

Women's Health and Genetics/Laboratory Corporation of America, LabCorp
Classification: Pathogenic for Maturity-onset diabetes of the young. Last evaluated: 2025-12-29. Review status: criteria provided, single submitter. Criteria: LabCorp Variant Classification Summary - May 2015. Collection method: clinical testing. Allele origin: germline. Not counted in ClinVar's aggregate classification.
Comment: Variant summary: HNF1A c.526C>T (p.Gln176X) results in a premature termination codon, predicted to cause absence of the protein due to nonsense mediated decay, which is a commonly known mechanism for disease. The variant allele was found at a frequency of 4e-06 in 250372 control chromosomes (gnomAD). c.526C>T has been observed in individuals affected with Maturity Onset Diabetes Of The Young 3 or Diabetes mellitus (e.g. Xu_2002, Minniakhmetov_2025). At least one publication reports experimental evidence evaluating an impact on protein function. The most pronounced variant effect results in <10% of normal activity (Xu_2002). The following publications have been ascertained in the context of this evaluation (PMID: 12107757, 39859454). ClinVar contains an entry for this variant (Variation ID: 372380). Based on the evidence outlined above, the variant was classified as pathogenic.

Labcorp Genetics (formerly Invitae), Labcorp
Classification: Pathogenic. Last evaluated: 2025-09-17. Review status: criteria provided, single submitter. Criteria: Invitae Variant Classification Sherloc (09022015). Collection method: clinical testing. Allele origin: germline. Not counted in ClinVar's aggregate classification.
Comment: This sequence change creates a premature translational stop signal (p.Gln176*) in the HNF1A gene. It is expected to result in an absent or disrupted protein product. Loss-of-function variants in HNF1A are known to be pathogenic (PMID: 15928245, 18003757). This variant is present in population databases (rs754728827, gnomAD 0.0009%). This premature translational stop signal has been observed in individual(s) with maturity-onset diabetes of the young (PMID: 12107757). Invitae Evidence Modeling of clinical and family history, age, sex, and reported ancestry of multiple individuals with this HNF1A variant has been performed. This variant is expected to be pathogenic with a positive predictive value of at least 99%. This is a validated machine learning model that incorporates the clinical features of 42,750 individuals referred to our laboratory for HNF1A testing. ClinVar contains an entry for this variant (Variation ID: 372380). For these reasons, this variant has been classified as Pathogenic.

PreventionGenetics, part of Exact Sciences
Classification: Pathogenic for HNF1A-related condition. Last evaluated: 2025-08-22. Review status: criteria provided, single submitter. Criteria: ACMG Guidelines, 2015. Collection method: clinical testing. Allele origin: germline. Not counted in ClinVar's aggregate classification.
Comment: The HNF1A c.526C>T variant is predicted to result in premature protein termination (p.Gln176*). This variant has been reported in several individuals with maturity-onset diabetes of the young (MODY) (Xu et al. 2002. PubMed ID: 12107757; Gaál et al. 2021. PubMed ID: 34440499; Table S4, Colclough et al. 2022. PubMed ID: 34789499). An in vitro luciferase functional study using HeLa cells found decreased or near absent transactivation activity for Q176X (Xu et al. 2002. PubMed ID: 12107757). It is interpreted as pathogenic by the ClinGen Monogenic Diabetes Variant Curation Expert Panel in ClinVar (ClinVar ID: 372380). This variant is reported in 0.00089% of alleles in individuals of European (non-Finnish) descent in gnomAD. Nonsense variants in HNF1A are expected to be pathogenic. This variant is interpreted as pathogenic.

Fulgent Genetics
Classification: Pathogenic for Type 2 diabetes mellitus; Hepatic adenomas, familial; Nonpapillary renal cell carcinoma; Diabetes mellitus type 1; Maturity-onset diabetes of the young type 3; Type 1 diabetes mellitus 20. Last evaluated: 2024-02-20. Review status: criteria provided, single submitter. Criteria: ACMG Guidelines, 2015. Collection method: clinical testing. Allele origin: germline. Not counted in ClinVar's aggregate classification.

GeneDx
Classification: Pathogenic. Last evaluated: 2023-10-27. Review status: criteria provided, single submitter. Criteria: GeneDx Variant Classification Process June 2021. Collection method: clinical testing. Allele origin: germline. Affected: yes. Not counted in ClinVar's aggregate classification.
Comment: Nonsense variant predicted to result in protein truncation or nonsense mediated decay in a gene for which loss-of-function is a known mechanism of disease; Not observed at significant frequency in large population cohorts (gnomAD); This variant is associated with the following publications: (PMID: 16496320, 25525159, 29625052, 36208030, 36451132, 35472491, 32238361, 34440499, 36257325, 36793123, 31166087, 12107757)

Athena Diagnostics
Classification: Pathogenic. Last evaluated: 2022-09-29. Review status: criteria provided, single submitter. Criteria: Athena Diagnostics Criteria. Collection method: clinical testing. Allele origin: unknown. Not counted in ClinVar's aggregate classification.
Comment: This variant is expected to result in the loss of a functional protein. The frequency of this variant in the general population is consistent with pathogenicity. This variant has been identified in multiple unrelated individuals with clinical features associated with this gene. Assessment of experimental evidence suggests this variant results in abnormal protein function. See PMID: 12107757.

Geisinger Clinic, Geisinger Health System
Classification: Pathogenic for Maturity-onset diabetes of the young type 3. Last evaluated: 2022-08-02. Review status: criteria provided, single submitter. Criteria: ACMG Guidelines, 2015. Collection method: research. Allele origin: germline. Inheritance: Autosomal dominant inheritance. Affected: yes. Observed: 1 variant allele. Not counted in ClinVar's aggregate classification.
Comment: PVS1, PM2, PS4, PP1_Supporting, PP4_Moderate

NM_000545.8(HNF1A):c.526C>T (p.Gln176Ter)

Gene: HNF1A (HNF1 homeobox A; plus strand). Cytogenetic location: 12q24.31.
Variant type: single nucleotide variant.
Coding change: c.526C>T on transcript NM_000545.8 (MANE Select); coding-DNA position 526, C replaced by T.
Protein change: p.Gln176Ter; replaces glutamine 176 with a stop codon.
Molecular consequence: nonsense.
Genome position (GRCh38, 1-based): chr12:120,989,032, C>T. VCF-style: chr12-120989032-C-T. GRCh37 (hg19) VCF-style: chr12-121426835-C-T.
Other names: NM_000545.8(HNF1A):c.526C>T; c.526C>T (NM_000545.6); c.526C>T, p.Gln176Ter (NM_001306179.2); short protein forms Q176*.
Identifiers: ClinVar variation 372380 (VCV000372380.34), dbSNP rs754728827, ClinGen allele CA6831769.